The following is an entry in ClinVar:

NM_012144.4(DNAI1):c.304G>A (p.Val102Ile)

Gene: DNAI1 (dynein axonemal intermediate chain 1; plus strand). Cytogenetic location: 9p13.3.
Variant type: single nucleotide variant.
Coding change: c.304G>A on transcript NM_012144.4 (MANE Select); coding-DNA position 304, G replaced by A.
Protein change: p.Val102Ile; replaces valine 102 with isoleucine.
Molecular consequence: missense variant.
Genome position (GRCh38, 1-based): chr9:34,489,365, G>A. VCF-style: chr9-34489365-G-A. GRCh37 (hg19) VCF-style: chr9-34489363-G-A.
Other names: c.304G>A, p.Val102Ile (NM_001281428.2); short protein forms V102I.
Identifiers: ClinVar variation 3226201 (VCV003226201.1), dbSNP rs1824534808, ClinGen allele CA373244592.

ClinVar aggregate classification (germline): Uncertain significance (1 of 4 stars; one submission).

Conditions:
Primary ciliary dyskinesia. Also called: Ciliary dyskinesia. Identifiers: Orphanet 244, MedGen C0008780, MONDO:0016575, HP:0012265.

Allele frequency attached by ClinVar (database versions not stated): gnomAD exomes below 0.00001; TOPMed below 0.00001.
gnomAD v4.1: 2 of 1,614,148 alleles (0.00012%); highest among the groups gnomAD compares: East Asian, 0.0045%; no homozygotes.

Submission:

Ambry Genetics
Classification: Uncertain significance for Primary ciliary dyskinesia. Last evaluated: 2024-03-13. Review status: criteria provided, single submitter. Criteria: Ambry Variant Classification Scheme 2023. Collection method: clinical testing. Allele origin: germline.
Comment: The p.V102I variant (also known as c.304G>A), located in coding exon 5 of the DNAI1 gene, results from a G to A substitution at nucleotide position 304. The valine at codon 102 is replaced by isoleucine, an amino acid with highly similar properties. This amino acid position is conserved. In addition, this alteration is predicted to be tolerated by in silico analysis. Based on the available evidence, the clinical significance of this alteration remains unclear.